The following is an entry in ClinVar:

ClinVar aggregate classification (germline): Uncertain significance (1 of 4 stars; one submission).

Conditions:
Glycogen storage disease IXc (GSD9C). Also called: GSD IXc. Identifiers: Orphanet 264580, MedGen C2751643, MONDO:0013091, OMIM 613027.

Allele frequency attached by ClinVar (database versions not stated): gnomAD exomes 0.00001; TOPMed 0.00001; ExAC 0.00002.
gnomAD v4.1: 19 of 1,611,314 alleles (0.0012%); highest among the groups gnomAD compares: South Asian, 0.0022%; no homozygotes.

Submission:

Labcorp Genetics (formerly Invitae), Labcorp
Classification: Uncertain significance for Glycogen storage disease IXc. Last evaluated: 2021-08-30. Review status: criteria provided, single submitter. Criteria: Invitae Variant Classification Sherloc (09022015). Collection method: clinical testing. Allele origin: germline.
Comment: This sequence change replaces arginine with cysteine at codon 82 of the PHKG2 protein (p.Arg82Cys). The arginine residue is highly conserved and there is a large physicochemical difference between arginine and cysteine. This variant is present in population databases (rs779594016, ExAC 0.009%). This variant has not been reported in the literature in individuals affected with PHKG2-related conditions. Algorithms developed to predict the effect of missense changes on protein structure and function are either unavailable or do not agree on the potential impact of this missense change (SIFT: "Deleterious"; PolyPhen-2: "Possibly Damaging"; Align-GVGD: "Class C0"). In summary, the available evidence is currently insufficient to determine the role of this variant in disease. Therefore, it has been classified as a Variant of Uncertain Significance.

NM_000294.3(PHKG2):c.244C>T (p.Arg82Cys)

Gene: PHKG2 (phosphorylase kinase catalytic subunit gamma 2; plus strand). Cytogenetic location: 16p11.2.
Variant type: single nucleotide variant.
Coding change: c.244C>T on transcript NM_000294.3 (MANE Select); coding-DNA position 244, C replaced by T.
Protein change: p.Arg82Cys; replaces arginine 82 with cysteine.
Molecular consequence: missense variant.
Genome position (GRCh38, 1-based): chr16:30,751,254, C>T. VCF-style: chr16-30751254-C-T. GRCh37 (hg19) VCF-style: chr16-30762575-C-T.
Other names: c.244C>T, p.Arg82Cys (NM_001172432.2); short protein forms R82C.
Identifiers: ClinVar variation 662397 (VCV000662397.6), dbSNP rs779594016, ClinGen allele CA8013061.